The following is an entry in ClinVar:

NM_017636.4(TRPM4):c.1395C>A (p.Ser465Arg)

Gene: TRPM4 (transient receptor potential cation channel subfamily M member 4; plus strand). Cytogenetic location: 19q13.33.
Variant type: single nucleotide variant.
Coding change: c.1395C>A on transcript NM_017636.4 (MANE Select); coding-DNA position 1395, C replaced by A.
Protein change: p.Ser465Arg; replaces serine 465 with arginine.
Molecular consequence: missense variant. On other transcripts: 5 prime UTR variant (1).
Genome position (GRCh38, 1-based): chr19:49,182,709, C>A. VCF-style: chr19-49182709-C-A. GRCh37 (hg19) VCF-style: chr19-49685966-C-A.
Other names: c.1395C>A, p.Ser465Arg (NM_001195227.2); c.1050C>A, p.Ser350Arg (NM_001321281.2); c.-159C>A (NM_001321282.2); c.873C>A, p.Ser291Arg (NM_001321283.2); c.333C>A, p.Ser111Arg (NM_001321285.2); short protein forms S111R, S291R, S350R, S465R.
Identifiers: ClinVar variation 1522465 (VCV001522465.8), dbSNP rs1307664288, ClinGen allele CA406799255.

ClinVar aggregate classification (germline): Uncertain significance (1 of 4 stars; one submission).

Conditions:
Progressive familial heart block type IB (PFHB1B). Identifiers: Orphanet 871, MedGen C1970298, MONDO:0011474, OMIM 604559.

Allele frequency attached by ClinVar (database versions not stated): gnomAD 0.00001; TOPMed 0.00001.
gnomAD v4.1: 2 of 1,614,054 alleles (0.00012%); highest among the groups gnomAD compares: Non-Finnish European, 0.00017%; no homozygotes.

Submission:

Labcorp Genetics (formerly Invitae), Labcorp
Classification: Uncertain significance for Progressive familial heart block type IB. Last evaluated: 2022-05-21. Review status: criteria provided, single submitter. Criteria: Invitae Variant Classification Sherloc (09022015). Collection method: clinical testing. Allele origin: germline.
Comment: In summary, the available evidence is currently insufficient to determine the role of this variant in disease. Therefore, it has been classified as a Variant of Uncertain Significance. Algorithms developed to predict the effect of missense changes on protein structure and function (SIFT, PolyPhen-2, Align-GVGD) all suggest that this variant is likely to be tolerated. This variant has not been reported in the literature in individuals affected with TRPM4-related conditions. This variant is not present in population databases (gnomAD no frequency). This sequence change replaces serine, which is neutral and polar, with arginine, which is basic and polar, at codon 465 of the TRPM4 protein (p.Ser465Arg).